The following is an entry in ClinVar:

NM_024652.6(LRRK1):c.2361C>T (p.Gly787=)

Gene: LRRK1 (leucine rich repeat kinase 1; plus strand). Cytogenetic location: 15q26.3.
Variant type: single nucleotide variant.
Coding change: c.2361C>T on transcript NM_024652.6 (MANE Select); coding-DNA position 2361, C replaced by T.
Protein change: p.Gly787=; no amino-acid change (glycine 787 retained).
Molecular consequence: synonymous variant.
Genome position (GRCh38, 1-based): chr15:101,026,093, C>T. VCF-style: chr15-101026093-C-T. GRCh37 (hg19) VCF-style: chr15-101566298-C-T.
Identifiers: ClinVar variation 2748592 (VCV002748592.5), dbSNP rs556604108, ClinGen allele CA7761205.
Genomic context (GRCh38, chr15:101,026,093, plus strand): 5'-TGTGGAAAGGATTGCAACGCTGCGTGCCTATGTGCTGGCACTCTGCCGCTCCCCCTCCGG[C>T]TCCAGGGCCACAGGCTTCCCAGACATCACCTTCAAACACTTACAGTGAGTGCCCAGCCTC-3'
Protein context (NP_078928.3, residues 777-797): YVLALCRSPS[Gly787=]SRATGFPDIT

ClinVar aggregate classification (germline): Benign. Review status: criteria provided, single submitter (1 of 4 stars). 2 submissions from 2 submitters: Benign (1). 1 of the submissions does not count toward it. Last evaluated 2025-11-23.

Conditions:
LRRK1-related disorder. Also called: LRRK1-related condition.

Allele frequency attached by ClinVar (database versions not stated): gnomAD 0.00004; ExAC 0.00009; TOPMed 0.00005.
gnomAD v4.1: 50 of 1,614,274 alleles (0.0031%); highest among the groups gnomAD compares: Admixed American, 0.082%; 1 homozygote.

Submissions (2):

Labcorp Genetics (formerly Invitae), Labcorp
Classification: Benign. Last evaluated: 2025-11-23. Review status: criteria provided, single submitter. Criteria: Invitae Variant Classification Sherloc (09022015). Collection method: clinical testing. Allele origin: germline.

PreventionGenetics, part of Exact Sciences
Classification: Likely benign for LRRK1-related condition. Last evaluated: 2019-09-26. Review status: no assertion criteria provided. Collection method: clinical testing. Allele origin: germline. Not counted in ClinVar's aggregate classification.
Comment: This variant is classified as likely benign based on ACMG/AMP sequence variant interpretation guidelines (Richards et al. 2015 PMID: 25741868, with internal and published modifications).